The following is an entry in ClinVar:

NM_178229.5(IQGAP3):c.1129+5G>A

Gene: IQGAP3 (IQ motif containing GTPase activating protein 3; minus strand). Cytogenetic location: 1q22.
Variant type: single nucleotide variant.
Coding change: c.1129+5G>A on transcript NM_178229.5 (MANE Select); 5 bases into the intron after coding-DNA position 1129, G replaced by A.
Molecular consequence: intron variant.
Genome position (GRCh38, 1-based): chr1:156,560,929, C>T on the plus strand (G>A on the coding strand, the complement: IQGAP3 is on the minus strand). VCF-style: chr1-156560929-C-T. GRCh37 (hg19) VCF-style: chr1-156530721-C-T.
Identifiers: ClinVar variation 4885172 (VCV004885172.2).

ClinVar aggregate classification (germline): Uncertain significance (1 of 4 stars; one submission).

gnomAD v4.1: 2 of 1,608,248 alleles (0.00012%); highest among the groups gnomAD compares: Non-Finnish European, 0.00017%; no homozygotes.

Submission:

Dasa
Classification: Uncertain significance. Last evaluated: 2025-03-13. Review status: criteria provided, single submitter. Criteria: DASA Assertion Criteria. Collection method: clinical testing. Allele origin: germline.
Comment: NM_178229.5(IQGAP3):c.1129+5G>A is a splice-region variant. This variant is rare in population databases. Computational prediction algorithms are consistent with a deleterious effect. The currently available literature and clinical evidence are not sufficient to establish a definitive association between this variant and the reported condition. Therefore, this variant is classified as a variant of uncertain significance.